The following is an entry in ClinVar:

NM_020937.4(FANCM):c.2471G>T (p.Gly824Val)

Gene: FANCM (FA complementation group M; plus strand). Cytogenetic location: 14q21.2.
Variant type: single nucleotide variant.
Coding change: c.2471G>T on transcript NM_020937.4 (MANE Select); coding-DNA position 2471, G replaced by T.
Protein change: p.Gly824Val; replaces glycine 824 with valine.
Molecular consequence: missense variant.
Genome position (GRCh38, 1-based): chr14:45,175,225, G>T. VCF-style: chr14-45175225-G-T. GRCh37 (hg19) VCF-style: chr14-45644428-G-T.
Other names: c.2393G>T, p.Gly798Val (NM_001308133.2); short protein forms G798V, G824V.
Identifiers: ClinVar variation 2157966 (VCV002157966.4), dbSNP rs1489942787, ClinGen allele CA389597922.

ClinVar aggregate classification (germline): Uncertain significance (1 of 4 stars; one submission).

Conditions:
Fanconi anemia (FA). Also called: Fanconi's anemia. Identifiers: Orphanet 84, MedGen C0015625, MeSH D005199, MONDO:0019391.

Allele frequency attached by ClinVar (database versions not stated): gnomAD exomes below 0.00001.
gnomAD v4.1: 4 of 1,611,728 alleles (0.00025%); highest among the groups gnomAD compares: Non-Finnish European, 0.00034%; no homozygotes.

Submission:

Labcorp Genetics (formerly Invitae), Labcorp
Classification: Uncertain significance for Fanconi anemia. Last evaluated: 2023-11-17. Review status: criteria provided, single submitter. Criteria: Invitae Variant Classification Sherloc (09022015). Collection method: clinical testing. Allele origin: germline.
Comment: This sequence change replaces glycine, which is neutral and non-polar, with valine, which is neutral and non-polar, at codon 824 of the FANCM protein (p.Gly824Val). This variant is present in population databases (no rsID available, gnomAD 0.0009%). This variant has not been reported in the literature in individuals affected with FANCM-related conditions. ClinVar contains an entry for this variant (Variation ID: 2157966). An algorithm developed to predict the effect of missense changes on protein structure and function (PolyPhen-2) suggests that this variant is likely to be tolerated. In summary, the available evidence is currently insufficient to determine the role of this variant in disease. Therefore, it has been classified as a Variant of Uncertain Significance.